The following is an entry in ClinVar:

NM_001197104.2(KMT2A):c.11147-11_11147-5dup

Genes: KMT2A (lysine methyltransferase 2A; plus strand), TTC36-AS1 (TTC36 and KMT2A antisense RNA 1; minus strand). Cytogenetic location: 11q23.3.
Variant type: Duplication.
Coding change: c.11147-11_11147-5dup on transcript NM_001197104.2 (MANE Select); 11 bases into the intron before coding-DNA position 11147 through 5 bases into the intron before coding-DNA position 11147, 7 bases duplicated (GATTCTT; older notation c.11147-11_11147-5dupGATTCTT).
Molecular consequence: intron variant. On other transcripts: non-coding transcript variant (4).
Genome position (GRCh38, 1-based): chr11:118,519,607-118,519,613, GATTCTT duplicated; duplicating any 7 consecutive bases within chr11:118,519,606-118,519,613 gives the same sequence; the c. name uses the placement nearest the transcript's 3' end. VCF-style (leftmost placement, unchanged base first): chr11-118519605-C-CTGATTCT. GRCh37 (hg19) VCF-style: chr11-118390320-C-CTGATTCT.
Other names: c.11237-11_11237-5dup (NM_001412597.1); c.11138-11_11138-5dup (NM_005933.4).
Identifiers: ClinVar variation 3057652 (VCV003057652.2), dbSNP rs2497106816, ClinGen allele CA2616265723.
Genomic context (GRCh38, chr11:118,519,605, plus strand): 5'-GGCATTTCTGTAGGACCATGCTGTTTCCTGTTGACTGCGCTCCTCACTTCCCTGGTGCTT[C>CTGATTCT]TGATTCTTCTAGGTGTTAACGGTTTGAGGATGCTGGGGATTCTCCATGATGCAGTTGTGT-3'

ClinVar aggregate classification (germline): Likely benign (0 of 4 stars; one submission).

Conditions:
KMT2A-related disorder. Also called: KMT2A-related condition.

Submission:

PreventionGenetics, part of Exact Sciences
Classification: Likely benign for KMT2A-related condition. Last evaluated: 2022-03-17. Review status: no assertion criteria provided. Collection method: clinical testing. Allele origin: germline.
Comment: This variant is classified as likely benign based on ACMG/AMP sequence variant interpretation guidelines (Richards et al. 2015 PMID: 25741868, with internal and published modifications).